The following is an entry in ClinVar:

ClinVar aggregate classification (germline): Uncertain significance (1 of 4 stars; one submission).

Conditions:
Hypertrophic cardiomyopathy. Also called: HYPERTROPHIC MYOCARDIOPATHY. Identifiers: Orphanet 217569, MedGen C0007194, MeSH D002312, MONDO:0005045, HP:0001639.

gnomAD v4.1: 19 of 1,612,624 alleles (0.0012%); highest among the groups gnomAD compares: Non-Finnish European, 0.0015%; no homozygotes.

Submission:

Labcorp Genetics (formerly Invitae), Labcorp
Classification: Uncertain significance for Hypertrophic cardiomyopathy. Last evaluated: 2022-03-18. Review status: criteria provided, single submitter. Criteria: Invitae Variant Classification Sherloc (09022015). Collection method: clinical testing. Allele origin: germline.
Comment: This sequence change replaces alanine, which is neutral and non-polar, with threonine, which is neutral and polar, at codon 64 of the MYOM1 protein (p.Ala64Thr). This variant is present in population databases (no rsID available, gnomAD 0.0009%). This variant has not been reported in the literature in individuals affected with MYOM1-related conditions. Algorithms developed to predict the effect of missense changes on protein structure and function (SIFT, PolyPhen-2, Align-GVGD) all suggest that this variant is likely to be tolerated. In summary, the available evidence is currently insufficient to determine the role of this variant in disease. Therefore, it has been classified as a Variant of Uncertain Significance.

NM_003803.4(MYOM1):c.190G>A (p.Ala64Thr)

Gene: MYOM1 (myomesin 1; minus strand). Cytogenetic location: 18p11.31.
Variant type: single nucleotide variant.
Coding change: c.190G>A on transcript NM_003803.4 (MANE Select); coding-DNA position 190, G replaced by A.
Protein change: p.Ala64Thr; replaces alanine 64 with threonine.
Molecular consequence: missense variant.
Genome position (GRCh38, 1-based): chr18:3,215,034, C>T on the plus strand (G>A on the coding strand, the complement: MYOM1 is on the minus strand). VCF-style: chr18-3215034-C-T. GRCh37 (hg19) VCF-style: chr18-3215032-C-T.
Other names: c.190G>A, p.Ala64Thr (NM_019856.2); short protein forms A64T.
Identifiers: ClinVar variation 1962728 (VCV001962728.5), dbSNP rs1377002622, ClinGen allele CA401718106.